The following is an entry in ClinVar:

NM_001452.2(FOXF2):c.97GCC[4] (p.Ala37_Ala41del)

Genes: FOXF2 (forkhead box F2; plus strand), FOXF2-DT (FOXF2 divergent transcript; minus strand). Cytogenetic location: 6p25.3.
Variant type: Microsatellite.
Coding change: c.97GCC[4] on transcript NM_001452.2 (MANE Select); four copies in a row of the 3-base unit GCC starting at c.97; the reference has nine copies in a row; five copies, 15 bases deleted.
Protein change: p.Ala37_Ala41del.
Molecular consequence: inframe deletion.
Genome position (GRCh38, 1-based): chr6:1,390,056-1,390,070, GCCGCCGCCGCCGCC deleted; deleting any 15 consecutive bases within chr6:1,390,042-1,390,070 gives the same sequence; the position shown is the placement nearest the transcript's 3' end. VCF-style (leftmost placement, unchanged base first): chr6-1390041-CCCGCCGCCGCCGCCG-C. GRCh37 (hg19) VCF-style: chr6-1390276-CCCGCCGCCGCCGCCG-C.
Identifiers: ClinVar variation 4989148 (VCV004989148.1).

ClinVar aggregate classification (germline): Likely benign (1 of 4 stars; one submission).

Conditions:
FOXF2-related disorder. Also called: FOXF2-related condition.

Submission:

PreventionGenetics, part of Exact Sciences
Classification: Likely benign for FOXF2-related condition. Last evaluated: 2025-01-30. Review status: criteria provided, single submitter. Criteria: ACMG Guidelines, 2015. Collection method: clinical testing. Allele origin: germline.
Comment: This variant is classified as likely benign based on ACMG/AMP sequence variant interpretation guidelines (Richards et al. 2015 PMID: 25741868, with internal and published modifications).